The following is an entry in ClinVar:

NM_000088.4(COL1A1):c.2816del (p.Ala939fs)

Gene: COL1A1 (collagen type I alpha 1 chain; minus strand). Cytogenetic location: 17q21.33.
Variant type: Deletion.
Coding change: c.2816del on transcript NM_000088.4 (MANE Select); coding-DNA position 2816, one base deleted (C; older notation c.2816delC).
Protein change: p.Ala939fs; shifts the reading frame from alanine 939.
Molecular consequence: frameshift variant.
Genome position (GRCh38, 1-based): chr17:50,189,390, G deleted on the plus strand (C on the coding strand, the reverse complement: COL1A1 is on the minus strand). VCF-style (leftmost placement, unchanged base first): chr17-50189389-AG-A. GRCh37 (hg19) VCF-style: chr17-48266750-AG-A.
Other names: short protein forms A939fs.
Identifiers: ClinVar variation 2127973 (VCV002127973.4), dbSNP rs2509183506, ClinGen allele CA2580094230.

ClinVar aggregate classification (germline): Pathogenic (1 of 4 stars; one submission).

Conditions:
Osteogenesis imperfecta type I (OI1). Also called: Lobstein's Disease; Osteogenesis imperfecta type 1; Classic Non-deforming Osteogenesis Imperfecta with Blue Sclerae; Lobstein disease; OI, TYPE I; OSTEOGENESIS IMPERFECTA TARDA. Identifiers: Orphanet 216796, Orphanet 666, MedGen C0023931, MONDO:0008146, OMIM 166200. Disease mechanism: loss of function.

Submission:

Labcorp Genetics (formerly Invitae), Labcorp
Classification: Pathogenic for Osteogenesis imperfecta type I. Last evaluated: 2022-04-19. Review status: criteria provided, single submitter. Criteria: Invitae Variant Classification Sherloc (09022015). Collection method: clinical testing. Allele origin: germline.
Comment: For these reasons, this variant has been classified as Pathogenic. This variant has not been reported in the literature in individuals affected with COL1A1-related conditions. This variant is not present in population databases (gnomAD no frequency). This sequence change creates a premature translational stop signal (p.Ala939Valfs*169) in the COL1A1 gene. It is expected to result in an absent or disrupted protein product. Loss-of-function variants in COL1A1 are known to be pathogenic (PMID: 7942841, 9295084, 9443882).

Literature cited by the submitters: PubMed 7942841; PubMed 9295084; PubMed 9443882.